The following is an entry in ClinVar:

ClinVar aggregate classification (germline): Conflicting classifications of pathogenicity. Review status: criteria provided, conflicting classifications (1 of 4 stars). 4 submissions from 4 submitters: Uncertain significance (1); Likely benign (2). 1 of the submissions does not count toward it. Last evaluated 2025-12-15.

Conditions:
CUBN-related disorder. Also called: CUBN-related condition.
Inborn genetic diseases. Identifiers: MedGen C0950123, MeSH D030342.
Imerslund-Grasbeck syndrome. Also called: ENTEROCYTE INTRINSIC FACTOR RECEPTOR, DEFECT OF; PERNICIOUS ANEMIA, JUVENILE, DUE TO SELECTIVE INTESTINAL MALABSORPTION OF VITAMIN B12, WITH PROTEINURIA; Imerslund-Gräsbeck syndrome; Megaloblastic anemia due to inborn errors of metabolism; ENTEROCYTE COBALAMIN MALABSORPTION. Identifiers: Orphanet 35858, MedGen C4551825, MONDO:0009853.

Allele frequency attached by ClinVar (database versions not stated): ESP Exome Variant Server 0.00015; gnomAD exomes 0.00021 and 0.00039; gnomAD 0.00028 and 0.00029; ExAC 0.00033; TOPMed 0.00042.
gnomAD v4.1: 364 of 1,613,646 alleles (0.023%); highest among the groups gnomAD compares: Admixed American, 0.17%; 1 homozygote.

Submissions (4):

Labcorp Genetics (formerly Invitae), Labcorp
Classification: Likely benign for Imerslund-Grasbeck syndrome. Last evaluated: 2025-12-15. Review status: criteria provided, single submitter. Criteria: Invitae Variant Classification Sherloc (09022015). Collection method: clinical testing. Allele origin: germline.

GeneDx
Classification: Uncertain significance. Last evaluated: 2025-07-19. Review status: criteria provided, single submitter. Criteria: GeneDx Variant Classification Process June 2021. Collection method: clinical testing. Allele origin: germline. Affected: yes.
Comment: In silico analysis suggests that this missense variant does not alter protein structure/function; Has not been previously published as pathogenic or benign to our knowledge

Ambry Genetics
Classification: Likely benign for Inborn genetic diseases. Last evaluated: 2025-01-20. Review status: criteria provided, single submitter. Criteria: Ambry Variant Classification Scheme 2023. Collection method: clinical testing. Allele origin: germline.

PreventionGenetics, part of Exact Sciences
Classification: Likely benign for CUBN-related condition. Last evaluated: 2023-01-27. Review status: no assertion criteria provided. Collection method: clinical testing. Allele origin: germline. Not counted in ClinVar's aggregate classification.
Comment: This variant is classified as likely benign based on ACMG/AMP sequence variant interpretation guidelines (Richards et al. 2015 PMID: 25741868, with internal and published modifications).

NM_001081.4(CUBN):c.10834C>T (p.Arg3612Trp)

Gene: CUBN (cubilin; minus strand). Cytogenetic location: 10p13.
Variant type: single nucleotide variant.
Coding change: c.10834C>T on transcript NM_001081.4 (MANE Select); coding-DNA position 10834, C replaced by T.
Protein change: p.Arg3612Trp; replaces arginine 3612 with tryptophan.
Molecular consequence: missense variant.
Genome position (GRCh38, 1-based): chr10:16,825,013, G>A on the plus strand (C>T on the coding strand, the complement: CUBN is on the minus strand). VCF-style: chr10-16825013-G-A. GRCh37 (hg19) VCF-style: chr10-16867012-G-A.
Other names: short protein forms R3612W.
Identifiers: ClinVar variation 1531238 (VCV001531238.13), dbSNP rs151134377, ClinGen allele CA5422277.